The following is an entry in ClinVar:

ClinVar aggregate classification (germline): Uncertain significance (1 of 4 stars; one submission).

gnomAD v4.1: 11 of 1,613,964 alleles (0.00068%); highest among the groups gnomAD compares: Non-Finnish European, 0.00093%; no homozygotes.

Submission:

Labcorp Genetics (formerly Invitae), Labcorp
Classification: Uncertain significance. Last evaluated: 2024-11-13. Review status: criteria provided, single submitter. Criteria: Invitae Variant Classification Sherloc (09022015). Collection method: clinical testing. Allele origin: germline.
Comment: This sequence change replaces serine, which is neutral and polar, with arginine, which is basic and polar, at codon 384 of the DLL1 protein (p.Ser384Arg). This variant is not present in population databases (gnomAD no frequency). This variant has not been reported in the literature in individuals affected with DLL1-related conditions. An algorithm developed to predict the effect of missense changes on protein structure and function (PolyPhen-2) suggests that this variant is likely to be tolerated. In summary, the available evidence is currently insufficient to determine the role of this variant in disease. Therefore, it has been classified as a Variant of Uncertain Significance.

NM_005618.4(DLL1):c.1152C>A (p.Ser384Arg)

Gene: DLL1 (delta like canonical Notch ligand 1; minus strand). Cytogenetic location: 6q27.
Variant type: single nucleotide variant.
Coding change: c.1152C>A on transcript NM_005618.4 (MANE Select); coding-DNA position 1152, C replaced by A.
Protein change: p.Ser384Arg; replaces serine 384 with arginine.
Molecular consequence: missense variant.
Genome position (GRCh38, 1-based): chr6:170,285,016, G>T on the plus strand (C>A on the coding strand, the complement: DLL1 is on the minus strand). VCF-style: chr6-170285016-G-T. GRCh37 (hg19) VCF-style: chr6-170594104-G-T.
Other names: short protein forms S384R.
Identifiers: ClinVar variation 3669604 (VCV003669604.2).